The following is an entry in ClinVar:

NM_006859.4(LIAS):c.609-125T>C

Gene: LIAS (lipoic acid synthetase; plus strand). Cytogenetic location: 4p14.
Variant type: single nucleotide variant.
Coding change: c.609-125T>C on transcript NM_006859.4 (MANE Select); 125 bases into the intron before coding-DNA position 609, T replaced by C.
Molecular consequence: intron variant.
Genome position (GRCh38, 1-based): chr4:39,467,393, T>C. VCF-style: chr4-39467393-T-C. GRCh37 (hg19) VCF-style: chr4-39469013-T-C.
Other names: c.609-125T>C (NM_194451.3); c.608+2051T>C (NM_001278590.2); c.300-125T>C (NM_001363700.2).
Identifiers: ClinVar variation 676266 (VCV000676266.1), dbSNP rs6856504, ClinGen allele CA11847927.
Genomic context (GRCh38, chr4:39,467,393, plus strand): 5'-ACGGTCTGCTTTTTTTTTTTTAATAATGGTTCATGTATGAACATCTGTATGTTCATACTT[T>C]TCTTGACAAAGTTCTAAAGGTTACTGTGTTGAAGCATACTGAACGATTACTGATAATTTC-3'

ClinVar aggregate classification (germline): Benign (1 of 4 stars; one submission).

Allele frequency attached by ClinVar (database versions not stated): 1000 Genomes Project 0.09944; 1000 Genomes Project 30x 0.10025; gnomAD 0.12008 and 0.12162; TOPMed 0.12015; gnomAD exomes 0.13052.
gnomAD v4.1: 116,518 of 904,778 alleles (13%); highest among the groups gnomAD compares: Non-Finnish European, 14%; 8,375 homozygotes.

Submission:

GeneDx
Classification: Benign. Last evaluated: 2018-06-16. Review status: criteria provided, single submitter. Criteria: GeneDx Variant Classification (06012015). Collection method: clinical testing. Allele origin: germline. Affected: yes.
Comment: This variant is considered likely benign or benign based on one or more of the following criteria: it is a conservative change, it occurs at a poorly conserved position in the protein, it is predicted to be benign by multiple in silico algorithms, and/or has population frequency not consistent with disease.